The following is an entry in ClinVar:

ClinVar aggregate classification (germline): Pathogenic/Likely pathogenic. Review status: criteria provided, multiple submitters, no conflicts (2 of 4 stars). 5 submissions from 5 submitters: Pathogenic (3); Likely pathogenic (1). 1 of the submissions does not count toward it. Last evaluated 2024-05-27.

Conditions:
Neuronal ceroid lipofuscinosis. Also called: Neuronal Ceroid Lipofuscinoses. Identifiers: Orphanet 216, Orphanet 79263, MedGen C0027877, MONDO:0016295. Disease mechanism: loss of function.
Neuronal ceroid lipofuscinosis 5 (CLN5). Also called: Neuronal ceroid lipofuscinosis Finnish variant; NEURONAL CEROID LIPOFUSCINOSIS, LATE INFANTILE, FINNISH VARIANT; CEROID LIPOFUSCINOSIS, NEURONAL, 5, VARIABLE AGE AT ONSET; CLN5-Related Neuronal Ceroid-Lipofuscinosis. Identifiers: Orphanet 168491, Orphanet 228360, MedGen C1850442, MONDO:0009745, OMIM 256731.

Allele frequency attached by ClinVar (database versions not stated): gnomAD exomes below 0.00001.

Submissions (5):

Labcorp Genetics (formerly Invitae), Labcorp
Classification: Pathogenic for Neuronal ceroid lipofuscinosis. Last evaluated: 2024-05-27. Review status: criteria provided, single submitter. Criteria: Invitae Variant Classification Sherloc (09022015). Collection method: clinical testing. Allele origin: germline.
Comment: This sequence change creates a premature translational stop signal (p.Trp379*) in the CLN5 gene. While this is not anticipated to result in nonsense mediated decay, it is expected to disrupt the last 29 amino acid(s) of the CLN5 protein. This variant is present in population databases (no rsID available, gnomAD 0.007%). This premature translational stop signal has been observed in individual(s) with neuronal ceroid lipofuscinosis (PMID: 23374165). ClinVar contains an entry for this variant (Variation ID: 1072711). This variant disrupts a region of the CLN5 protein in which other variant(s) (p.Tyr392*) have been determined to be pathogenic (PMID: 9662406). This suggests that this is a clinically significant region of the protein, and that variants that disrupt it are likely to be disease-causing. For these reasons, this variant has been classified as Pathogenic.

Baylor Genetics
Classification: Pathogenic for Neuronal ceroid lipofuscinosis 5. Last evaluated: 2024-03-15. Review status: criteria provided, single submitter. Criteria: ACMG Guidelines, 2015. Collection method: clinical testing. Allele origin: unknown.

Fulgent Genetics
Classification: Likely pathogenic for Neuronal ceroid lipofuscinosis 5. Last evaluated: 2024-01-28. Review status: criteria provided, single submitter. Criteria: ACMG Guidelines, 2015. Collection method: clinical testing. Allele origin: germline.

Genome-Nilou Lab
Classification: Pathogenic for Neuronal ceroid lipofuscinosis 5. Last evaluated: 2021-08-10. Review status: criteria provided, single submitter. Criteria: ACMG Guidelines, 2015. Collection method: clinical testing. Allele origin: germline. Affected: no.

Natera, Inc.
Classification: Pathogenic for Neuronal ceroid lipofuscinosis. Last evaluated: 2021-06-30. Review status: no assertion criteria provided. Collection method: clinical testing. Allele origin: germline. Not counted in ClinVar's aggregate classification.

Literature cited by the submitters: PubMed 23374165 (cited by Labcorp Genetics (formerly Invitae), Labcorp); PubMed 9662406 (cited by Labcorp Genetics (formerly Invitae), Labcorp).

NM_006493.4(CLN5):c.990G>A (p.Trp330Ter)

Gene: CLN5 (CLN5 lysosomal BMP synthase; plus strand). Cytogenetic location: 13q22.3.
Variant type: single nucleotide variant.
Coding change: c.990G>A on transcript NM_006493.4 (MANE Select); coding-DNA position 990, G replaced by A.
Protein change: p.Trp330Ter; replaces tryptophan 330 with a stop codon.
Molecular consequence: nonsense. On other transcripts: 3 prime UTR variant (1).
Genome position (GRCh38, 1-based): chr13:77,000,882, G>A. VCF-style: chr13-77000882-G-A. GRCh37 (hg19) VCF-style: chr13-77575017-G-A.
Other names: c.*439G>A (NM_001366624.2); short protein forms W330*.
Identifiers: ClinVar variation 1072711 (VCV001072711.16), dbSNP rs386833968, ClinGen allele CA252177689.